The following is an entry in ClinVar:

ClinVar aggregate classification (germline): Uncertain significance. Review status: criteria provided, multiple submitters, no conflicts (2 of 4 stars). 5 submissions from 5 submitters: Uncertain significance (5). Last evaluated 2025-06-11.

Conditions:
Vanishing white matter disease. Also called: CACH syndrome; Childhood ataxia with diffuse central nervous system hypomyelination; Leukoencephalopathy with vanishing white matter; CACH/VWM syndrome; Cree leukoencehalopathy. Identifiers: Orphanet 135, Orphanet 99853, MedGen C1858991, MONDO:0800448.

Allele frequency attached by ClinVar (database versions not stated): TOPMed 0.00007; ESP Exome Variant Server 0.00015.

Submissions (5):

Women's Health and Genetics/Laboratory Corporation of America, LabCorp
Classification: Uncertain significance. Last evaluated: 2025-06-11. Review status: criteria provided, single submitter. Criteria: LabCorp Variant Classification Summary - May 2015. Collection method: clinical testing. Allele origin: germline.
Comment: Variant summary: EIF2B5 c.1712G>T (p.Cys571Phe) results in a non-conservative amino acid change in the encoded protein sequence. Algorithms developed to predict the effect of missense changes on protein structure and function are either unavailable or do not agree on the potential impact of this missense change. The variant allele was found at a frequency of 0.00016 in 250760 control chromosomes (gnomAD). This frequency is not significantly higher than estimated for a pathogenic variant in EIF2B5 causing Leukoencephalopathy With Vanishing White Matter (0.00016 vs 0.00091), allowing no conclusion about variant significance. c.1712G>T has been observed in one WGS case and the patients phenotype was not specified (Stranneheim_2021). These data do not allow any conclusion about variant significance. To our knowledge, no experimental evidence demonstrating an impact on protein function has been reported. The following publication have been ascertained in the context of this evaluation (PMID: 33726816). ClinVar contains an entry for this variant (Variation ID: 902384). Based on the evidence outlined above, the variant was classified as uncertain significance.

Blueprint Genetics
Classification: Uncertain significance. Last evaluated: 2023-04-21. Review status: criteria provided, single submitter. Criteria: ACMG Guidelines, 2015. Collection method: clinical testing. Allele origin: germline.

Fulgent Genetics
Classification: Uncertain significance for Leukoencephalopathy with vanishing white matter 1. Last evaluated: 2022-04-20. Review status: criteria provided, single submitter. Criteria: ACMG Guidelines, 2015. Collection method: clinical testing. Allele origin: unknown.

Labcorp Genetics (formerly Invitae), Labcorp
Classification: Uncertain significance. Last evaluated: 2021-09-17. Review status: criteria provided, single submitter. Criteria: Invitae Variant Classification Sherloc (09022015). Collection method: clinical testing. Allele origin: germline.
Comment: This sequence change replaces cysteine with phenylalanine at codon 571 of the EIF2B5 protein (p.Cys571Phe). The cysteine residue is moderately conserved and there is a large physicochemical difference between cysteine and phenylalanine. This variant is present in population databases (rs375421867, ExAC 0.05%). This variant has not been reported in the literature in individuals with EIF2B5-related conditions. Algorithms developed to predict the effect of missense changes on protein structure and function (SIFT, PolyPhen-2, Align-GVGD) all suggest that this variant is likely to be tolerated, but these predictions have not been confirmed by published functional studies and their clinical significance is uncertain. In summary, the available evidence is currently insufficient to determine the role of this variant in disease. Therefore, it has been classified as a Variant of Uncertain Significance.

Illumina Laboratory Services, Illumina
Classification: Uncertain significance for Leukoencephalopathy with vanishing white matter 1. Last evaluated: 2018-01-13. Review status: criteria provided, single submitter. Criteria: ICSL Variant Classification Criteria 13 December 2019. Collection method: clinical testing. Allele origin: germline.

Literature cited by the submitters: PubMed 33726816 (cited by Women's Health and Genetics/Laboratory Corporation of America, LabCorp).

NM_003907.3(EIF2B5):c.1712G>T (p.Cys571Phe)

Gene: EIF2B5 (eukaryotic translation initiation factor 2B subunit epsilon; plus strand). Cytogenetic location: 3q27.1.
Variant type: single nucleotide variant.
Coding change: c.1712G>T on transcript NM_003907.3 (MANE Select); coding-DNA position 1712, G replaced by T.
Protein change: p.Cys571Phe; replaces cysteine 571 with phenylalanine.
Molecular consequence: missense variant.
Genome position (GRCh38, 1-based): chr3:184,143,109, G>T. VCF-style: chr3-184143109-G-T. GRCh37 (hg19) VCF-style: chr3-183860897-G-T.
Other names: short protein forms C571F.
Identifiers: ClinVar variation 902384 (VCV000902384.8), dbSNP rs375421867, ClinGen allele CA2726789.
Genomic context (GRCh38, chr3:184,143,109, plus strand): 5'-CAGTGTTCCAGAATGAAGTTTTAGGAACACTACAGCGGGGCAAAGAGGAGAACATTTCTT[G>T]TGACAATCTCGTCCTGGAAATCAACTCTCTCAAGTAAGAGCAGCCCCTCCCTGTTCTCCT-3'
Protein context (NP_003898.2, residues 561-581): LQRGKEENIS[Cys571Phe]DNLVLEINSL